The following is an entry in ClinVar:

NM_018896.5(CACNA1G):c.3315C>A (p.Ser1105Arg)

Gene: CACNA1G (calcium voltage-gated channel subunit alpha1 G; plus strand). Cytogenetic location: 17q21.33.
Variant type: single nucleotide variant.
Coding change: c.3315C>A on transcript NM_018896.5 (MANE Select); coding-DNA position 3315, C replaced by A.
Protein change: p.Ser1105Arg; replaces serine 1105 with arginine.
Molecular consequence: missense variant. On other transcripts: non-coding transcript variant (5).
Genome position (GRCh38, 1-based): chr17:50,599,484, C>A. VCF-style: chr17-50599484-C-A. GRCh37 (hg19) VCF-style: chr17-48676845-C-A.
Other names: c.3315C>A, p.Ser1105Arg (NM_001256324.2, NM_001256325.2, NM_001256326.2 and 16 more transcripts); c.3246C>A, p.Ser1082Arg (NM_001256332.2, NM_198376.3, NM_198379.3 and 5 more transcripts); short protein forms S1105R, S1082R.
Identifiers: ClinVar variation 451830 (VCV000451830.3), dbSNP rs1216562585, ClinGen allele CA400252939.

ClinVar aggregate classification (germline): Uncertain significance (1 of 4 stars; one submission).

Conditions:
Juvenile myoclonic epilepsy (EJM). Also called: PETIT MAL, IMPULSIVE; JANZ SYNDROME. Identifiers: Orphanet 307, MedGen C0270853, MONDO:0009696.
Intellectual disability. Also called: Intellectual developmental disorder; Intellectual functioning disability; intellectual disabilities. Identifiers: MedGen C3714756, MeSH D008607, MONDO:0001071, HP:0001249.

Submission:

GeneDx
Classification: Uncertain significance. Last evaluated: 2017-09-13. Review status: criteria provided, single submitter. Criteria: GeneDx Variant Classification (06012015). Collection method: clinical testing. Allele origin: germline. Affected: yes.
Comment: The S1105R variant has not been published as a pathogenic variant, nor has it been reported as a benign variant to our knowledge. The S1105R variant is not observed in large population cohorts (Lek et al., 2016; 1000 Genomes Consortium et al., 2015; Exome Variant Server). The S1105R variant is a semi-conservative amino acid substitution, which may impact secondary protein structure as these residues differ in some properties. Additionally, this substitution occurs at a position that is conserved across species, and in silico analysis predicts this variant is probably damaging to the protein structure/function. Based on the currently available information, it is unclear whether this variant is a pathogenic variant or a rare benign variant.